The following is an entry in ClinVar:

ClinVar aggregate classification (germline): Uncertain significance (1 of 4 stars; one submission).

Submission:

GeneDx
Classification: Uncertain significance. Last evaluated: 2019-07-12. Review status: criteria provided, single submitter. Criteria: GeneDx Variant Classification Process June 2021. Collection method: clinical testing. Allele origin: germline. Affected: yes.
Comment: Not observed in large population cohorts (Lek et al., 2016); In silico analysis, which includes protein predictors and evolutionary conservation, supports that this variant does not alter protein structure/function; Has not been previously published as pathogenic or benign to our knowledge

NM_001243133.2(NLRP3):c.1630G>C (p.Val544Leu)

Gene: NLRP3 (NLR family pyrin domain containing 3; plus strand). Cytogenetic location: 1q44.
Variant type: single nucleotide variant.
Coding change: c.1630G>C on transcript NM_001243133.2 (MANE Select); coding-DNA position 1630, G replaced by C.
Protein change: p.Val544Leu; replaces valine 544 with leucine.
Molecular consequence: missense variant.
Genome position (GRCh38, 1-based): chr1:247,425,079, G>C. VCF-style: chr1-247425079-G-C. GRCh37 (hg19) VCF-style: chr1-247588381-G-C.
Other names: c.1630G>C, p.Val544Leu (NM_001079821.3, NM_001127461.3, NM_001127462.3 and 1 more transcripts); c.1636G>C, p.Val546Leu (NM_004895.5); short protein forms V544L, V546L.
Identifiers: ClinVar variation 1307042 (VCV001307042.2), dbSNP rs202204283, ClinGen allele CA345557482.
Genomic context (GRCh38, chr1:247,425,079, plus strand): 5'-CAGGAGTTCTTTGCCGCCATGTACTACCTGCTGGAAGAGGAAAAGGAAGGAAGGACGAAC[G>C]TTCCAGGGAGTCGTTTGAAGCTTCCCAGCCGAGACGTGACAGTCCTTCTGGAAAACTATG-3'
Protein context (NP_001230062.1, residues 534-554): LEEEKEGRTN[Val544Leu]PGSRLKLPSR